The following is an entry in ClinVar:

NM_020975.6(RET):c.129C>A (p.Asp43Glu)

Gene: RET (ret proto-oncogene; plus strand). Cytogenetic location: 10q11.21.
Variant type: single nucleotide variant.
Coding change: c.129C>A on transcript NM_020975.6 (MANE Select); coding-DNA position 129, C replaced by A.
Protein change: p.Asp43Glu; replaces aspartic acid 43 with glutamic acid.
Molecular consequence: missense variant.
Genome position (GRCh38, 1-based): chr10:43,100,514, C>A. VCF-style: chr10-43100514-C-A. GRCh37 (hg19) VCF-style: chr10-43595962-C-A.
Other names: c.129C>A, p.Asp43Glu (NM_000323.2, NM_001406743.1, NM_001406744.1 and 34 more transcripts); short protein forms D43E.
Identifiers: ClinVar variation 818716 (VCV000818716.12), dbSNP rs1488040686, ClinGen allele CA376770156.

ClinVar aggregate classification (germline): Uncertain significance. Review status: criteria provided, multiple submitters, no conflicts (2 of 4 stars). 4 submissions from 4 submitters: Uncertain significance (4). Last evaluated 2025-10-15.

Conditions:
Multiple endocrine neoplasia, type 2 (MEN2). Identifiers: Orphanet 653, MedGen C4048306, MONDO:0019003. Disease mechanism: gain of function.
Multiple endocrine neoplasia type 2B. Also called: MUCOSAL NEUROMA SYNDROME; Multiple endocrine neoplasia, type 3; MULTIPLE ENDOCRINE NEOPLASIA, TYPE IIB; Multiple Endocrine Neoplasia Type 2B (MEN2B); MEN IIB; NEUROMATA, MUCOSAL, WITH ENDOCRINE TUMORS. Identifiers: Orphanet 247709, Orphanet 653, MedGen C0025269, MeSH D018814, MONDO:0008082, OMIM 162300.
Hirschsprung disease, susceptibility to, 1 (HSCR1). Also called: RET-Related Hirschsprung Disease. Identifiers: Orphanet 388, MedGen C3888239, MONDO:0007723, OMIM 142623.
Pheochromocytoma. Also called: MAX-Related Hereditary Paraganglioma-Pheochromocytoma Syndrome. Identifiers: Orphanet 29072, MedGen C0031511, MONDO:0008233, OMIM 171300, HP:0002666.
Multiple endocrine neoplasia type 2A. Also called: MULTIPLE ENDOCRINE NEOPLASIA, TYPE IIA; PTC SYNDROME; SIPPLE SYNDROME; MEN 2A; MEN-2A syndrome; Pheochromocytoma and amyloid producing medullary thyroid carcinoma. Identifiers: Orphanet 247698, Orphanet 653, MedGen C0025268, MeSH D018813, MONDO:0008234, OMIM 171400.
Familial medullary thyroid carcinoma (MTC). Also called: Familial Medullary Thyroid Carcinoma (FMTC); Thyroid cancer, familial medullary; MTC, familial. Identifiers: Orphanet 653, Orphanet 99361, MedGen C1833921, MONDO:0007958, OMIM 155240.
Hereditary cancer-predisposing syndrome. Also called: Hereditary neoplastic syndrome; Neoplastic Syndromes, Hereditary; Tumor predisposition; Hereditary Cancer Syndrome. Identifiers: Orphanet 140162, MedGen C0027672, MeSH D009386, MONDO:0015356.

Allele frequency attached by ClinVar (database versions not stated): gnomAD exomes below 0.00001; gnomAD 0.00001; TOPMed 0.00001.
gnomAD v4.1: 2 of 1,613,698 alleles (0.00012%); highest among the groups gnomAD compares: Non-Finnish European, 0.00017%; no homozygotes.

Submissions (4):

Labcorp Genetics (formerly Invitae), Labcorp
Classification: Uncertain significance for Multiple endocrine neoplasia, type 2. Last evaluated: 2025-10-15. Review status: criteria provided, single submitter. Criteria: Invitae Variant Classification Sherloc (09022015). Collection method: clinical testing. Allele origin: germline.
Comment: This sequence change replaces aspartic acid, which is acidic and polar, with glutamic acid, which is acidic and polar, at codon 43 of the RET protein (p.Asp43Glu). This variant is present in population databases (no rsID available, gnomAD 0.004%). This variant has not been reported in the literature in individuals affected with RET-related conditions. ClinVar contains an entry for this variant (Variation ID: 818716). An algorithm developed to predict the effect of missense changes on protein structure and function (PolyPhen-2) suggests that this variant is likely to be disruptive. In summary, the available evidence is currently insufficient to determine the role of this variant in disease. Therefore, it has been classified as a Variant of Uncertain Significance.

Ambry Genetics
Classification: Uncertain significance for Hereditary cancer-predisposing syndrome. Last evaluated: 2024-11-11. Review status: criteria provided, single submitter. Criteria: Ambry Variant Classification Scheme 2023. Collection method: clinical testing. Allele origin: germline.
Comment: The p.D43E variant (also known as c.129C>A), located in coding exon 2 of the RET gene, results from a C to A substitution at nucleotide position 129. The aspartic acid at codon 43 is replaced by glutamic acid, an amino acid with highly similar properties. This amino acid position is well conserved in available vertebrate species. In addition, this alteration is predicted to be tolerated by in silico analysis. Since supporting evidence is limited at this time, the clinical significance of this variant remains unclear.

Fulgent Genetics
Classification: Uncertain significance for Hirschsprung disease, susceptibility to, 1; Familial medullary thyroid carcinoma; Multiple endocrine neoplasia type 2B; Pheochromocytoma; Multiple endocrine neoplasia type 2A. Last evaluated: 2024-04-24. Review status: criteria provided, single submitter. Criteria: ACMG Guidelines, 2015. Collection method: clinical testing. Allele origin: germline.

All of Us Research Program, National Institutes of Health
Classification: Uncertain significance for Multiple endocrine neoplasia, type 2. Last evaluated: 2023-05-31. Review status: criteria provided, single submitter. Criteria: ACMG Guidelines, 2015. Collection method: clinical testing. Allele origin: germline. Inheritance: Autosomal dominant inheritance. Observed: 1 variant allele, 1 heterozygote.
Comment: This study involves interpretation of variants in research participants for the purpose of population health screening. Participant phenotype was not available at the time of variant classification. Additional details can be found in publication PMID: 35346344, PMCID: PMC8962531